The following is an entry in ClinVar:

NM_006531.5(IFT88):c.2224G>A (p.Glu742Lys)

Gene: IFT88 (intraflagellar transport 88; plus strand). Cytogenetic location: 13q12.11.
Variant type: single nucleotide variant.
Coding change: c.2224G>A on transcript NM_006531.5 (MANE Select); coding-DNA position 2224, G replaced by A.
Protein change: p.Glu742Lys; replaces glutamic acid 742 with lysine.
Molecular consequence: missense variant. On other transcripts: non-coding transcript variant (5).
Genome position (GRCh38, 1-based): chr13:20,671,021, G>A. VCF-style: chr13-20671021-G-A. GRCh37 (hg19) VCF-style: chr13-21245160-G-A.
Other names: c.2167G>A, p.Glu723Lys (NM_001318491.2); c.2251G>A, p.Glu751Lys (NM_001318493.2, NM_001353565.2, NM_001353566.2 and 2 more transcripts); c.2224G>A, p.Glu742Lys (NM_001353568.2, NM_001353572.2); c.2149G>A, p.Glu717Lys (NM_001353569.2, NM_001353570.2, NM_001353576.2 and 1 more transcripts); c.2122G>A, p.Glu708Lys (NM_001353571.2, NM_001353578.2); c.2080G>A, p.Glu694Lys (NM_001353573.2); c.2065G>A, p.Glu689Lys (NM_001353574.2); c.2291G>A, p.Arg764Lys (NM_001353575.2); and 1 more; short protein forms E723K, E708K, E689K, E694K, E742K, E751K, E531K, E717K.
Identifiers: ClinVar variation 3004406 (VCV003004406.3), dbSNP rs753310520, ClinGen allele CA387477155.

ClinVar aggregate classification (germline): Uncertain significance (1 of 4 stars; one submission).

gnomAD v4.1: 2 of 1,613,998 alleles (0.00012%); highest among the groups gnomAD compares: Middle Eastern, 0.016%; no homozygotes.

Submission:

Labcorp Genetics (formerly Invitae), Labcorp
Classification: Uncertain significance. Last evaluated: 2025-07-22. Review status: criteria provided, single submitter. Criteria: Invitae Variant Classification Sherloc (09022015). Collection method: clinical testing. Allele origin: germline.
Comment: This sequence change replaces glutamic acid, which is acidic and polar, with lysine, which is basic and polar, at codon 751 of the IFT88 protein (p.Glu751Lys). This variant is not present in population databases (gnomAD no frequency). This variant has not been reported in the literature in individuals affected with IFT88-related conditions. ClinVar contains an entry for this variant (Variation ID: 3004406). An algorithm developed to predict the effect of missense changes on protein structure and function (PolyPhen-2) suggests that this variant is likely to be tolerated. In summary, the available evidence is currently insufficient to determine the role of this variant in disease. Therefore, it has been classified as a Variant of Uncertain Significance.